The following is an entry in ClinVar:

NM_005157.6(ABL1):c.1940C>T (p.Ala647Val)

Gene: ABL1 (ABL proto-oncogene 1, non-receptor tyrosine kinase; plus strand). Cytogenetic location: 9q34.12.
Variant type: single nucleotide variant.
Coding change: c.1940C>T on transcript NM_005157.6 (MANE Select); coding-DNA position 1940, C replaced by T.
Protein change: p.Ala647Val; replaces alanine 647 with valine.
Molecular consequence: missense variant.
Genome position (GRCh38, 1-based): chr9:130,884,230, C>T. VCF-style: chr9-130884230-C-T. GRCh37 (hg19) VCF-style: chr9-133759617-C-T.
Other names: c.1997C>T, p.Ala666Val (NM_007313.3); short protein forms A666V, A647V.
Identifiers: ClinVar variation 1367947 (VCV001367947.11), dbSNP rs199694985, ClinGen allele CA5285590.
Genomic context (GRCh38, chr9:130,884,230, plus strand): 5'-AGCCGGAGCGCAGAGGGGCCGGCGAGGAAGAGGGCCGAGACATCAGCAACGGGGCACTGG[C>T]TTTCACCCCCTTGGACACAGCTGACCCAGCCAAGTCCCCAAAGCCCAGCAATGGGGCTGG-3'
Protein context (NP_005148.2, residues 637-657): EGRDISNGAL[Ala647Val]FTPLDTADPA

ClinVar aggregate classification (germline): Benign/Likely benign. Review status: criteria provided, multiple submitters, no conflicts (2 of 4 stars). 3 submissions from 3 submitters: Benign (1); Likely benign (2). Last evaluated 2026-03-01.

Allele frequency attached by ClinVar (database versions not stated): TOPMed 0.00001; gnomAD 0.00004; ESP Exome Variant Server 0.00008.
gnomAD v4.1: 84 of 1,606,062 alleles (0.0052%); highest among the groups gnomAD compares: Non-Finnish European, 0.0066%; no homozygotes.

Submissions (3):

CeGaT Center for Human Genetics Tuebingen
Classification: Likely benign. Last evaluated: 2026-03-01. Review status: criteria provided, single submitter. Criteria: CeGaT Center For Human Genetics Tuebingen Variant Classification Criteria Version 2. Collection method: clinical testing. Allele origin: germline. Affected: yes. Observed: 1 variant allele.
Comment: ABL1: BP4

Labcorp Genetics (formerly Invitae), Labcorp
Classification: Benign. Last evaluated: 2026-01-12. Review status: criteria provided, single submitter. Criteria: Invitae Variant Classification Sherloc (09022015). Collection method: clinical testing. Allele origin: germline.

Blueprint Genetics
Classification: Likely benign. Last evaluated: 2024-10-16. Review status: criteria provided, single submitter. Criteria: ACMG Guidelines, 2015. Collection method: clinical testing. Allele origin: germline.